The following is an entry in ClinVar:

ClinVar aggregate classification (germline): Pathogenic (1 of 4 stars; one submission).

gnomAD v4.1: 1 of 1,614,126 alleles (0.000062%); highest among the groups gnomAD compares: Non-Finnish European, 0.000085%; no homozygotes.

Submission:

Labcorp Genetics (formerly Invitae), Labcorp
Classification: Pathogenic. Last evaluated: 2024-06-17. Review status: criteria provided, single submitter. Criteria: Invitae Variant Classification Sherloc (09022015). Collection method: clinical testing. Allele origin: germline.
Comment: This sequence change creates a premature translational stop signal (p.Gln165*) in the PIK3C2A gene. It is expected to result in an absent or disrupted protein product. Loss-of-function variants in PIK3C2A are known to be pathogenic (PMID: 31034465). This variant is not present in population databases (gnomAD no frequency). This variant has not been reported in the literature in individuals affected with PIK3C2A-related conditions. For these reasons, this variant has been classified as Pathogenic.

Literature cited by the submitters: PubMed 31034465.

NM_002645.4(PIK3C2A):c.493C>T (p.Gln165Ter)

Gene: PIK3C2A (phosphatidylinositol-4-phosphate 3-kinase catalytic subunit type 2 alpha; minus strand). Cytogenetic location: 11p15.1.
Variant type: single nucleotide variant.
Coding change: c.493C>T on transcript NM_002645.4 (MANE Select); coding-DNA position 493, C replaced by T.
Protein change: p.Gln165Ter; replaces glutamine 165 with a stop codon.
Molecular consequence: nonsense. On other transcripts: intron variant (1).
Genome position (GRCh38, 1-based): chr11:17,169,249, G>A on the plus strand (C>T on the coding strand, the complement: PIK3C2A is on the minus strand). VCF-style: chr11-17169249-G-A. GRCh37 (hg19) VCF-style: chr11-17190796-G-A.
Other names: c.493C>T, p.Gln165Ter (NM_001321378.2, NM_001386870.1); c.-75-13620C>T (NM_001321380.2); short protein forms Q165*.
Identifiers: ClinVar variation 3644217 (VCV003644217.2).